The following is an entry in ClinVar:

ClinVar aggregate classification (germline): Uncertain significance (1 of 4 stars; one submission).

gnomAD v4.1: 6 of 1,611,522 alleles (0.00037%); highest among the groups gnomAD compares: East Asian, 0.0045%; no homozygotes.

Submission:

Labcorp Genetics (formerly Invitae), Labcorp
Classification: Uncertain significance. Last evaluated: 2025-02-03. Review status: criteria provided, single submitter. Criteria: Invitae Variant Classification Sherloc (09022015). Collection method: clinical testing. Allele origin: germline.
Comment: This sequence change replaces arginine, which is basic and polar, with cysteine, which is neutral and slightly polar, at codon 78 of the COL7A1 protein (p.Arg78Cys). This variant is present in population databases (rs200381437, gnomAD 0.006%). This variant has not been reported in the literature in individuals affected with COL7A1-related conditions. Invitae Evidence Modeling of protein sequence and biophysical properties (such as structural, functional, and spatial information, amino acid conservation, physicochemical variation, residue mobility, and thermodynamic stability) indicates that this missense variant is expected to disrupt COL7A1 protein function with a positive predictive value of 95%. In summary, the available evidence is currently insufficient to determine the role of this variant in disease. Therefore, it has been classified as a Variant of Uncertain Significance.

NM_000094.4(COL7A1):c.232C>T (p.Arg78Cys)

Gene: COL7A1 (collagen type VII alpha 1 chain; minus strand). Cytogenetic location: 3p21.31.
Variant type: single nucleotide variant.
Coding change: c.232C>T on transcript NM_000094.4 (MANE Select); coding-DNA position 232, C replaced by T.
Protein change: p.Arg78Cys; replaces arginine 78 with cysteine.
Molecular consequence: missense variant.
Genome position (GRCh38, 1-based): chr3:48,594,402, G>A on the plus strand (C>T on the coding strand, the complement: COL7A1 is on the minus strand). VCF-style: chr3-48594402-G-A. GRCh37 (hg19) VCF-style: chr3-48631835-G-A.
Other names: short protein forms R78C.
Identifiers: ClinVar variation 3704976 (VCV003704976.2).